The following is an entry in ClinVar:

ClinVar aggregate classification (germline): Likely benign. Review status: criteria provided, multiple submitters, no conflicts (2 of 4 stars). 2 submissions from 2 submitters: Likely benign (2). Last evaluated 2018-01-13.

Conditions:
Corneal dystrophy. Identifiers: Orphanet 34533, MedGen C0010036, MONDO:0018102, HP:0001131.

Allele frequency attached by ClinVar (database versions not stated): gnomAD exomes 0.00154; gnomAD 0.01052 and 0.01139; 1000 Genomes Project 0.01138; 1000 Genomes Project 30x 0.01187; TOPMed 0.01194.
gnomAD v4.1: 2,285 of 592,034 alleles (0.39%); highest among the groups gnomAD compares: African/African-American, 3.7%; 42 homozygotes.

Submissions (2):

Illumina Laboratory Services, Illumina
Classification: Likely benign for Corneal dystrophy. Last evaluated: 2018-01-13. Review status: criteria provided, single submitter. Criteria: ICSL Variant Classification Criteria 13 December 2019. Collection method: clinical testing. Allele origin: germline.
Comment: This variant was observed in the ICSL laboratory as part of a predisposition screen in an ostensibly healthy population. It had not been previously curated by ICSL or reported in the Human Gene Mutation Database (HGMD: prior to June 1st, 2018), and was therefore a candidate for classification through an automated scoring system. Utilizing variant allele frequency, disease prevalence and penetrance estimates, and inheritance mode, an automated score was calculated to assess if this variant is too frequent to cause the disease. Based on the score and internal cut-off values, a variant classified as likely benign is not then subjected to further curation. The score for this variant resulted in a classification of likely benign for this disease.

Breakthrough Genomics
Classification: Likely benign. Review status: criteria provided, single submitter. Criteria: ACMG Guidelines, 2015. Collection method: not provided. Allele origin: germline. Inheritance: Autosomal recessive inheritance. Affected: yes.

NM_001174089.2(SLC4A11):c.*225C>T

Gene: SLC4A11 (solute carrier family 4 member 11; minus strand). Cytogenetic location: 20p13.
Variant type: single nucleotide variant.
Coding change: c.*225C>T on transcript NM_001174089.2 (MANE Select); 225 bases downstream of the stop codon, C replaced by T.
Molecular consequence: 3 prime UTR variant. On other transcripts: non-coding transcript variant (1).
Genome position (GRCh38, 1-based): chr20:3,227,562, G>A on the plus strand (C>T on the coding strand, the complement: SLC4A11 is on the minus strand). VCF-style: chr20-3227562-G-A. GRCh37 (hg19) VCF-style: chr20-3208208-G-A.
Other names: c.*225C>T (NM_001174090.2, NM_001363745.2, NM_032034.4).
Identifiers: ClinVar variation 338230 (VCV000338230.6), dbSNP rs77978636, ClinGen allele CA10653040.